The following is an entry in ClinVar:

ClinVar aggregate classification (germline): Uncertain significance (1 of 4 stars; one submission).

Allele frequency attached by ClinVar (database versions not stated): gnomAD exomes 0.00001.
gnomAD v4.1: 7 of 1,612,584 alleles (0.00043%); highest among the groups gnomAD compares: Non-Finnish European, 0.00059%; no homozygotes.

Submission:

GeneDx
Classification: Uncertain significance. Last evaluated: 2021-04-06. Review status: criteria provided, single submitter. Criteria: GeneDx Variant Classification Process June 2021. Collection method: clinical testing. Allele origin: germline. Affected: yes.
Comment: Not observed in large population cohorts (Lek et al., 2016); In silico analysis supports that this missense variant has a deleterious effect on protein structure/function; Has not been previously published as pathogenic or benign to our knowledge

NM_000260.4(MYO7A):c.785T>A (p.Met262Lys)

Gene: MYO7A (myosin VIIA; plus strand). Cytogenetic location: 11q13.5.
Variant type: single nucleotide variant.
Coding change: c.785T>A on transcript NM_000260.4 (MANE Select); coding-DNA position 785, T replaced by A.
Protein change: p.Met262Lys; replaces methionine 262 with lysine.
Molecular consequence: missense variant.
Genome position (GRCh38, 1-based): chr11:77,157,328, T>A. VCF-style: chr11-77157328-T-A. GRCh37 (hg19) VCF-style: chr11-76868374-T-A.
Other names: c.785T>A, p.Met262Lys (NM_001127180.2); c.752T>A, p.Met251Lys (NM_001369365.1); short protein forms M251K, M262K.
Identifiers: ClinVar variation 1314374 (VCV001314374.2), dbSNP rs1952576456, ClinGen allele CA381932452.